The following is an entry in ClinVar:

NM_001166108.2(PALLD):c.317C>T (p.Ala106Val)

Gene: PALLD (palladin, cytoskeletal associated protein; plus strand). Cytogenetic location: 4q32.3.
Variant type: single nucleotide variant.
Coding change: c.317C>T on transcript NM_001166108.2 (MANE Select); coding-DNA position 317, C replaced by T.
Protein change: p.Ala106Val; replaces alanine 106 with valine.
Molecular consequence: missense variant.
Genome position (GRCh38, 1-based): chr4:168,511,821, C>T. VCF-style: chr4-168511821-C-T. GRCh37 (hg19) VCF-style: chr4-169432972-C-T.
Other names: c.317C>T, p.Ala106Val (NM_016081.4); short protein forms A106V.
Identifiers: ClinVar variation 3226800 (VCV003226800.1), dbSNP rs2531430592, ClinGen allele CA358725341.

ClinVar aggregate classification (germline): Uncertain significance (1 of 4 stars; one submission).

Submission:

Ambry Genetics
Classification: Uncertain significance. Last evaluated: 2024-02-01. Review status: criteria provided, single submitter. Criteria: Ambry Variant Classification Scheme 2023. Collection method: clinical testing. Allele origin: germline.
Comment: The p.A106V variant (also known as c.317C>T), located in coding exon 1 of the PALLD gene, results from a C to T substitution at nucleotide position 317. The alanine at codon 106 is replaced by valine, an amino acid with similar properties. This amino acid position is conserved. In addition, this alteration is predicted to be tolerated by in silico analysis. Based on the available evidence, the clinical significance of this alteration remains unclear.